The following is an entry in ClinVar:

ClinVar aggregate classification (germline): Uncertain significance (1 of 4 stars; one submission).

Submission:

Labcorp Genetics (formerly Invitae), Labcorp
Classification: Uncertain significance. Last evaluated: 2023-07-17. Review status: criteria provided, single submitter. Criteria: Invitae Variant Classification Sherloc (09022015). Collection method: clinical testing. Allele origin: germline.
Comment: This variant is not present in population databases (gnomAD no frequency). This sequence change replaces methionine, which is neutral and non-polar, with isoleucine, which is neutral and non-polar, at codon 57 of the IMPG1 protein (p.Met57Ile). This variant has not been reported in the literature in individuals affected with IMPG1-related conditions. In summary, the available evidence is currently insufficient to determine the role of this variant in disease. Therefore, it has been classified as a Variant of Uncertain Significance. Algorithms developed to predict the effect of missense changes on protein structure and function output the following: SIFT: "Not Available"; PolyPhen-2: "Benign"; Align-GVGD: "Not Available". The isoleucine amino acid residue is found in multiple mammalian species, which suggests that this missense change does not adversely affect protein function. ClinVar contains an entry for this variant (Variation ID: 2121212).

NM_001563.4(IMPG1):c.171G>A (p.Met57Ile)

Gene: IMPG1 (interphotoreceptor matrix proteoglycan 1; minus strand). Cytogenetic location: 6q14.1.
Variant type: single nucleotide variant.
Coding change: c.171G>A on transcript NM_001563.4 (MANE Select); coding-DNA position 171, G replaced by A.
Protein change: p.Met57Ile; replaces methionine 57 with isoleucine.
Molecular consequence: missense variant. On other transcripts: intron variant (1).
Genome position (GRCh38, 1-based): chr6:76,042,023, C>T on the plus strand (G>A on the coding strand, the complement: IMPG1 is on the minus strand). VCF-style: chr6-76042023-C-T. GRCh37 (hg19) VCF-style: chr6-76751740-C-T.
Other names: c.68-7236G>A (NM_001282368.2); short protein forms M57I.
Identifiers: ClinVar variation 2121212 (VCV002121212.4), dbSNP rs2481539181, ClinGen allele CA364829809.